The following is an entry in ClinVar:

ClinVar aggregate classification (germline): Benign/Likely benign. Review status: criteria provided, multiple submitters, no conflicts (2 of 4 stars). 4 submissions from 4 submitters: Benign (1); Likely benign (3). Last evaluated 2023-07-07.

Conditions:
Xeroderma pigmentosum group B. Also called: XPB/CS; XERODERMA PIGMENTOSUM B/COCKAYNE SYNDROME; XP, GROUP B; ERCC3-Related Xeroderma Pigmentosum. Identifiers: MedGen C0268136, MONDO:0012531, OMIM 610651.

Allele frequency attached by ClinVar (database versions not stated): gnomAD 0.02606 and 0.02589; 1000 Genomes Project 0.02995; TOPMed 0.02625; 1000 Genomes Project 30x 0.02998.

Submissions (4):

KCCC/NGS Laboratory, Kuwait Cancer Control Center
Classification: Likely benign for Xeroderma pigmentosum group B. Last evaluated: 2023-07-07. Review status: criteria provided, single submitter. Criteria: ACMG Guidelines, 2015. Collection method: clinical testing. Allele origin: germline. Affected: yes.

GeneDx
Classification: Likely benign. Last evaluated: 2019-01-10. Review status: criteria provided, single submitter. Criteria: GeneDx Variant Classification Process June 2021. Collection method: clinical testing. Allele origin: germline. Affected: yes.

Illumina Laboratory Services, Illumina
Classification: Benign for Xeroderma pigmentosum group B. Last evaluated: 2018-01-12. Review status: criteria provided, single submitter. Criteria: ICSL Variant Classification Criteria 13 December 2019. Collection method: clinical testing. Allele origin: germline.
Comment: This variant was observed in the ICSL laboratory as part of a predisposition screen in an ostensibly healthy population. It had not been previously curated by ICSL or reported in the Human Gene Mutation Database (HGMD: prior to June 1st, 2018), and was therefore a candidate for classification through an automated scoring system. Utilizing variant allele frequency, disease prevalence and penetrance estimates, and inheritance mode, an automated score was calculated to assess if this variant is too frequent to cause the disease. Based on the score and internal cut-off values, a variant classified as benign is not then subjected to further curation. The score for this variant resulted in a classification of benign for this disease.

Breakthrough Genomics
Classification: Likely benign. Review status: criteria provided, single submitter. Criteria: ACMG Guidelines, 2015. Collection method: not provided. Allele origin: germline. Inheritance: Autosomal recessive inheritance. Affected: yes.

NM_000122.1(ERCC3):c.-69C>T

Gene: ERCC3 (ERCC excision repair 3, TFIIH core complex helicase subunit; minus strand). Cytogenetic location: 2q14.3.
Variant type: single nucleotide variant.
Coding change: c.-69C>T on transcript NM_000122.1; 69 bases upstream of the start codon, C replaced by T.
Genome position (GRCh38, 1-based): chr2:127,294,150, G>A on the plus strand (C>T on the coding strand, the complement: ERCC3 is on the minus strand). VCF-style: chr2-127294150-G-A. GRCh37 (hg19) VCF-style: chr2-128051726-G-A.
Identifiers: ClinVar variation 331098 (VCV000331098.11), dbSNP rs9282675, ClinGen allele CA10612228.
Genomic context (GRCh38, chr2:127,294,150, plus strand): 5'-CAGCAGCAGAGAGAAGATGACCCCGCTCCCACAGGCCCGCCGCGGCATCCGCTCTGGGGG[G>A]ACTTCCGGCTCAATCCGGAAGCTCCCTGTTGTCCACACAGGATGTCCCGCCTCTAGGCGC-3'